The following is an entry in ClinVar:

ClinVar aggregate classification (germline): Uncertain significance. Review status: criteria provided, multiple submitters, no conflicts (2 of 4 stars). 3 submissions from 3 submitters: Uncertain significance (3). Last evaluated 2022-07-27.

Allele frequency attached by ClinVar (database versions not stated): gnomAD exomes 0.00045 and 0.00066; ExAC 0.00046; gnomAD 0.00046 and 0.00043; TOPMed 0.00067; ESP Exome Variant Server 0.00023; 1000 Genomes Project 30x 0.00031; 1000 Genomes Project 0.00040.

Submissions (3):

Labcorp Genetics (formerly Invitae), Labcorp
Classification: Uncertain significance. Last evaluated: 2022-07-27. Review status: criteria provided, single submitter. Criteria: Invitae Variant Classification Sherloc (09022015). Collection method: clinical testing. Allele origin: germline.
Comment: This sequence change replaces arginine, which is basic and polar, with lysine, which is basic and polar, at codon 471 of the CEP135 protein (p.Arg471Lys). This variant is present in population databases (rs150578085, gnomAD 0.08%), and has an allele count higher than expected for a pathogenic variant. This variant has not been reported in the literature in individuals affected with CEP135-related conditions. ClinVar contains an entry for this variant (Variation ID: 210674). Algorithms developed to predict the effect of missense changes on protein structure and function (SIFT, PolyPhen-2, Align-GVGD) all suggest that this variant is likely to be tolerated. In summary, the available evidence is currently insufficient to determine the role of this variant in disease. Therefore, it has been classified as a Variant of Uncertain Significance.

GeneDx
Classification: Uncertain significance. Last evaluated: 2019-10-23. Review status: criteria provided, single submitter. Criteria: GeneDx Variant Classification Process June 2021. Collection method: clinical testing. Allele origin: germline. Affected: yes.
Comment: In silico analysis, which includes protein predictors and evolutionary conservation, supports that this variant does not alter protein structure/function; Has not been previously published as pathogenic or benign to our knowledge

Genetic Services Laboratory, University of Chicago
Classification: Uncertain significance. Last evaluated: 2014-07-21. Review status: criteria provided, single submitter. Criteria: ACMG Guidelines, 2015. Collection method: clinical testing. Allele origin: germline.

NM_025009.5(CEP135):c.1412G>A (p.Arg471Lys)

Gene: CEP135 (centrosomal protein 135; plus strand). Cytogenetic location: 4q12.
Variant type: single nucleotide variant.
Coding change: c.1412G>A on transcript NM_025009.5 (MANE Select); coding-DNA position 1412, G replaced by A.
Protein change: p.Arg471Lys; replaces arginine 471 with lysine.
Molecular consequence: missense variant.
Genome position (GRCh38, 1-based): chr4:55,974,908, G>A. VCF-style: chr4-55974908-G-A. GRCh37 (hg19) VCF-style: chr4-56841074-G-A.
Other names: short protein forms R471K.
Identifiers: ClinVar variation 210674 (VCV000210674.12), dbSNP rs150578085, ClinGen allele CA208406.